The following is an entry in ClinVar:

ClinVar aggregate classification (germline): Benign/Likely benign. Review status: criteria provided, multiple submitters, no conflicts (2 of 4 stars). 2 submissions from 2 submitters: Benign (1); Likely benign (1). Last evaluated 2025-08-13.

Conditions:
Tuberous sclerosis 2 (TSC2). Identifiers: Orphanet 805, MedGen C1860707, MONDO:0013199, OMIM 613254.

Allele frequency attached by ClinVar (database versions not stated): ExAC 0.00001; gnomAD 0.00001 and 0.00002; 1000 Genomes Project 0.00040; 1000 Genomes Project 30x 0.00047.

Submissions (2):

Labcorp Genetics (formerly Invitae), Labcorp
Classification: Likely benign for Tuberous sclerosis 2. Last evaluated: 2025-08-13. Review status: criteria provided, single submitter. Criteria: Invitae Variant Classification Sherloc (09022015). Collection method: clinical testing. Allele origin: germline.

Myriad Genetics, Inc.
Classification: Benign for Tuberous sclerosis 2. Last evaluated: 2024-09-05. Review status: criteria provided, single submitter. Criteria: Myriad Autosomal Dominant, Autosomal Recessive and X-Linked Classification Criteria (2023). Collection method: clinical testing. Allele origin: unknown.
Comment: This variant is considered benign. This variant is intronic and is not expected to impact mRNA splicing. This variant has been observed at a population frequency that is significantly greater than expected given the associated disease prevalence and penetrance.

NM_000548.5(TSC2):c.600-18G>A

Gene: TSC2 (TSC complex subunit 2; plus strand). Cytogenetic location: 16p13.3.
Variant type: single nucleotide variant.
Coding change: c.600-18G>A on transcript NM_000548.5 (MANE Select); 18 bases into the intron before coding-DNA position 600, G replaced by A.
Molecular consequence: intron variant.
Genome position (GRCh38, 1-based): chr16:2,056,178, G>A. VCF-style: chr16-2056178-G-A. GRCh37 (hg19) VCF-style: chr16-2106179-G-A.
Other names: c.600-18G>A (NM_001114382.3, NM_021055.3, NM_001370405.1 and 3 more transcripts); c.489-18G>A (NM_001318827.2); c.-1-18G>A (NM_001318831.2); c.453-18G>A (NM_001318829.2); c.633-18G>A (NM_001318832.2).
Identifiers: ClinVar variation 1622011 (VCV001622011.9), dbSNP rs199683502, ClinGen allele CA055595.
Genomic context (GRCh38, chr16:2,056,178, plus strand): 5'-AGAGTGACTAGACCACAGCCCGTGGTGGCTCGGCCATCCAGGCAGTGCTGCCGGGACTGA[G>A]CTCGGTGCTCCCTGCAGGATGATCTGTCTGCTGTGCGTCCGGACCGCGTCCTCTGTGGAC-3'